The following is an entry in ClinVar:

NM_001040142.2(SCN2A):c.2919+16A>G

Gene: SCN2A (sodium voltage-gated channel alpha subunit 2; plus strand). Cytogenetic location: 2q24.3.
Variant type: single nucleotide variant.
Coding change: c.2919+16A>G on transcript NM_001040142.2 (MANE Select); 16 bases into the intron after coding-DNA position 2919, A replaced by G.
Molecular consequence: intron variant.
Genome position (GRCh38, 1-based): chr2:165,344,927, A>G. VCF-style: chr2-165344927-A-G. GRCh37 (hg19) VCF-style: chr2-166201437-A-G.
Other names: c.2919+16A>G (NM_001040143.2, NM_001371246.1, NM_001371247.1 and 1 more transcripts).
Identifiers: ClinVar variation 512013 (VCV000512013.5), dbSNP rs1343240110, ClinGen allele CA537508006.

ClinVar aggregate classification (germline): Likely benign. Review status: criteria provided, multiple submitters, no conflicts (2 of 4 stars). 2 submissions from 2 submitters: Likely benign (2). Last evaluated 2025-12-01.

Conditions:
Developmental and epileptic encephalopathy, 11 (DEE11). Also called: Early infantile epileptic encephalopathy 11. Identifiers: Orphanet 1934, MedGen C3150987, MONDO:0013388, OMIM 613721.
Seizures, benign familial infantile, 3 (BFIS3). Also called: CONVULSIONS, BENIGN FAMILIAL INFANTILE, 3; Familial neonatal seizures. Identifiers: Orphanet 140927, Orphanet 306, MedGen C1843140, MONDO:0011904, OMIM 607745.

Allele frequency attached by ClinVar (database versions not stated): gnomAD exomes below 0.00001 and 0.00001.
gnomAD v4.1: 4 of 1,613,490 alleles (0.00025%); highest among the groups gnomAD compares: South Asian, 0.0022%; no homozygotes.

Submissions (2):

Labcorp Genetics (formerly Invitae), Labcorp
Classification: Likely benign for Seizures, benign familial infantile, 3; Developmental and epileptic encephalopathy, 11. Last evaluated: 2025-12-01. Review status: criteria provided, single submitter. Criteria: Invitae Variant Classification Sherloc (09022015). Collection method: clinical testing. Allele origin: germline.

GeneDx
Classification: Likely benign. Last evaluated: 2017-09-08. Review status: criteria provided, single submitter. Criteria: GeneDx Variant Classification (06012015). Collection method: clinical testing. Allele origin: germline. Affected: yes.
Comment: This variant is considered likely benign or benign based on one or more of the following criteria: it is a conservative change, it occurs at a poorly conserved position in the protein, it is predicted to be benign by multiple in silico algorithms, and/or has population frequency not consistent with disease.